The following is an entry in ClinVar:

NM_001927.4(DES):c.603G>C (p.Lys201Asn)

Gene: DES (desmin; plus strand). Cytogenetic location: 2q35.
Variant type: single nucleotide variant.
Coding change: c.603G>C on transcript NM_001927.4 (MANE Select); coding-DNA position 603, G replaced by C.
Protein change: p.Lys201Asn; replaces lysine 201 with asparagine.
Molecular consequence: missense variant.
Genome position (GRCh38, 1-based): chr2:219,420,119, G>C. VCF-style: chr2-219420119-G-C. GRCh37 (hg19) VCF-style: chr2-220284841-G-C.
Other names: c.603G>C (LRG_380t1); short protein forms K201N.
Identifiers: ClinVar variation 655707 (VCV000655707.8), dbSNP rs765376573, ClinGen allele CA2125089.

ClinVar aggregate classification (germline): Uncertain significance (1 of 4 stars; one submission).

Conditions:
Desmin-related myofibrillar myopathy (MFM1). Also called: Desminopathy; Desmin related myopathy (former name); Desmin storage myopathy (former name); MYOFIBRILLAR MYOPATHY WITH ARRHYTHMOGENIC RIGHT VENTRICULAR CARDIOMYOPATHY; DESMIN-RELATED MYOPATHY WITH ARRHYTHMOGENIC RIGHT VENTRICULAR CARDIOMYOPATHY; Myofibrillar myopathy 1. Identifiers: Orphanet 363543, Orphanet 98909, MedGen C1832370, MONDO:0011076, OMIM 601419.

Allele frequency attached by ClinVar (database versions not stated): ExAC 0.00001; gnomAD exomes below 0.00001; gnomAD 0.00001; TOPMed 0.00001.
gnomAD v4.1: 14 of 1,614,092 alleles (0.00087%); highest among the groups gnomAD compares: Non-Finnish European, 0.0011%; no homozygotes.

Submission:

Labcorp Genetics (formerly Invitae), Labcorp
Classification: Uncertain significance for Desmin-related myofibrillar myopathy. Last evaluated: 2026-01-21. Review status: criteria provided, single submitter. Criteria: Invitae Variant Classification Sherloc (09022015). Collection method: clinical testing. Allele origin: germline.
Comment: This sequence change replaces lysine, which is basic and polar, with asparagine, which is neutral and polar, at codon 201 of the DES protein (p.Lys201Asn). This variant is present in population databases (rs765376573, gnomAD 0.002%). This missense change has been observed in individuals with dilated cardiomyopathy (PMID: 36396199). ClinVar contains an entry for this variant (Variation ID: 655707). Invitae Evidence Modeling of protein sequence and biophysical properties (such as structural, functional, and spatial information, amino acid conservation, physicochemical variation, residue mobility, and thermodynamic stability) has been performed for this missense variant. However, the output from this modeling did not meet the statistical confidence thresholds required to predict the impact of this variant on DES protein function. In summary, the available evidence is currently insufficient to determine the role of this variant in disease. Therefore, it has been classified as a Variant of Uncertain Significance.

Literature cited by the submitters: PubMed 36396199.